The following is an entry in ClinVar:

NC_000005.9:g.(?_1801522)_(1816040_?)del

Gene: NDUFS6 (NADH:ubiquinone oxidoreductase subunit S6; plus strand). Cytogenetic location: 5p15.33.
Variant type: Deletion.
Identifiers: ClinVar variation 2425153 (VCV002425153.3).

ClinVar aggregate classification (germline): Pathogenic (1 of 4 stars; one submission).

Submission:

Labcorp Genetics (formerly Invitae), Labcorp
Classification: Pathogenic. Last evaluated: 2022-10-15. Review status: criteria provided, single submitter. Criteria: Invitae Variant Classification Sherloc (09022015). Collection method: clinical testing. Allele origin: germline.
Comment: A gross deletion of the genomic region encompassing the full coding sequence of the NDUFS6 gene has been identified. Loss-of-function variants in NDUFS6 are known to be pathogenic (PMID: 15372108). The boundaries of this event are unknown as they extend beyond the assayed region for this gene and therefore may encompass additional genes. This variant has not been reported in the literature in individuals affected with NDUFS6-related conditions. For these reasons, this variant has been classified as Pathogenic.

Literature cited by the submitters: PubMed 15372108.